The following is an entry in ClinVar:

ClinVar aggregate classification (germline): Uncertain significance (1 of 4 stars; one submission).

Submission:

Labcorp Genetics (formerly Invitae), Labcorp
Classification: Uncertain significance. Last evaluated: 2025-02-15. Review status: criteria provided, single submitter. Criteria: Invitae Variant Classification Sherloc (09022015). Collection method: clinical testing. Allele origin: germline.
Comment: This sequence change replaces glutamic acid, which is acidic and polar, with glutamine, which is neutral and polar, at codon 215 of the GNB3 protein (p.Glu215Gln). This variant is not present in population databases (gnomAD no frequency). This variant has not been reported in the literature in individuals affected with GNB3-related conditions. Invitae Evidence Modeling of protein sequence and biophysical properties (such as structural, functional, and spatial information, amino acid conservation, physicochemical variation, residue mobility, and thermodynamic stability) indicates that this missense variant is not expected to disrupt GNB3 protein function with a negative predictive value of 80%. In summary, the available evidence is currently insufficient to determine the role of this variant in disease. Therefore, it has been classified as a Variant of Uncertain Significance.

NM_002075.4(GNB3):c.643G>C (p.Glu215Gln)

Gene: GNB3 (G protein subunit beta 3; plus strand). Cytogenetic location: 12p13.31.
Variant type: single nucleotide variant.
Coding change: c.643G>C on transcript NM_002075.4 (MANE Select); coding-DNA position 643, G replaced by C.
Protein change: p.Glu215Gln; replaces glutamic acid 215 with glutamine.
Molecular consequence: missense variant.
Genome position (GRCh38, 1-based): chr12:6,843,922, G>C. VCF-style: chr12-6843922-G-C. GRCh37 (hg19) VCF-style: chr12-6953086-G-C.
Other names: c.640G>C, p.Glu214Gln (NM_001297571.2); short protein forms E214Q, E215Q.
Identifiers: ClinVar variation 4739129 (VCV004739129.1).